The following is an entry in ClinVar:

ClinVar aggregate classification (germline): Uncertain significance (1 of 4 stars; one submission).

Conditions:
Inborn genetic diseases. Identifiers: MedGen C0950123, MeSH D030342.

gnomAD v4.1: 3 of 1,613,634 alleles (0.00019%); highest among the groups gnomAD compares: African/African-American, 0.0013%; no homozygotes.

Submission:

Ambry Genetics
Classification: Uncertain significance for Inborn genetic diseases. Last evaluated: 2025-12-30. Review status: criteria provided, single submitter. Criteria: Ambry Variant Classification Scheme 2023. Collection method: clinical testing. Allele origin: germline.
Comment: The p.E880Q variant (also known as c.2638G>C), located in coding exon 11 of the MECOM gene, results from a G to C substitution at nucleotide position 2638. The glutamic acid at codon 880 is replaced by glutamine, an amino acid with highly similar properties. This amino acid position is conserved. In addition, the in silico prediction for this alteration is inconclusive. Based on the available evidence, the clinical significance of this variant remains unclear.

NM_004991.4(MECOM):c.2638G>C (p.Glu880Gln)

Gene: MECOM (MDS1 and EVI1 complex locus; minus strand). Cytogenetic location: 3q26.2.
Variant type: single nucleotide variant.
Coding change: c.2638G>C on transcript NM_004991.4 (MANE Select); coding-DNA position 2638, G replaced by C.
Protein change: p.Glu880Gln; replaces glutamic acid 880 with glutamine.
Molecular consequence: missense variant.
Genome position (GRCh38, 1-based): chr3:169,102,193, C>G on the plus strand (G>C on the coding strand, the complement: MECOM is on the minus strand). VCF-style: chr3-169102193-C-G. GRCh37 (hg19) VCF-style: chr3-168819981-C-G.
Other names: c.2269G>C, p.Glu757Gln (NM_001105077.4); c.2074G>C, p.Glu692Gln (NM_001105078.4, NM_001205194.2, NM_001366469.2 and 1 more transcripts); c.2050G>C, p.Glu684Gln (NM_001163999.2, NM_001366470.2); c.2047G>C, p.Glu683Gln (NM_001164000.2, NM_001366471.2, NM_001366472.2); c.2611G>C, p.Glu871Gln (NM_001366466.2); c.2077G>C, p.Glu693Gln (NM_001366467.2, NM_001366468.2); c.1639G>C, p.Glu547Gln (NM_001366473.2); c.1075G>C, p.Glu359Gln (NM_001366474.2); short protein forms E684Q, E871Q, E880Q, E683Q, E757Q, E692Q, E359Q, E547Q.
Identifiers: ClinVar variation 4842767 (VCV004842767.1).